The following is an entry in ClinVar:

ClinVar aggregate classification (germline): Uncertain significance (1 of 4 stars; one submission).

Conditions:
RASopathy. Also called: rasopathies; Noonan spectrum disorder. Identifiers: Orphanet 536391, MedGen C5555857, MONDO:0021060.

Submission:

Labcorp Genetics (formerly Invitae), Labcorp
Classification: Uncertain significance for RASopathy. Last evaluated: 2021-04-02. Review status: criteria provided, single submitter. Criteria: Invitae Variant Classification Sherloc (09022015). Collection method: clinical testing. Allele origin: germline.
Comment: In summary, the available evidence is currently insufficient to determine the role of this variant in disease. Therefore, it has been classified as a Variant of Uncertain Significance. This variant has not been reported in the literature in individuals with KRAS-related conditions. A gross deletion of the genomic region encompassing the full coding sequence of the KRAS gene has been identified. The current clinical and genetic evidence is not sufficient to establish whether loss-of-function variants in KRAS cause disease. The boundaries of this event are unknown as they extend beyond the assayed region for this gene and therefore may encompass additional genes.

NC_000012.11:g.(?_25362729)_(25398318_?)del

Gene: KRAS (KRAS proto-oncogene, GTPase; minus strand). Cytogenetic location: 12p12.1.
Variant type: Deletion.
Identifiers: ClinVar variation 1411309 (VCV001411309.4).